The following is an entry in ClinVar:

ClinVar aggregate classification (germline): Uncertain significance (1 of 4 stars; one submission).

Submission:

Labcorp Genetics (formerly Invitae), Labcorp
Classification: Uncertain significance. Last evaluated: 2025-02-18. Review status: criteria provided, single submitter. Criteria: Invitae Variant Classification Sherloc (09022015). Collection method: clinical testing. Allele origin: germline.
Comment: This sequence change replaces aspartic acid, which is acidic and polar, with asparagine, which is neutral and polar, at codon 32 of the ICOSLG protein (p.Asp32Asn). This variant is present in population databases (rs368372298, gnomAD 0.003%). This variant has not been reported in the literature in individuals affected with ICOSLG-related conditions. ClinVar contains an entry for this variant (Variation ID: 1965749). An algorithm developed to predict the effect of missense changes on protein structure and function outputs the following: PolyPhen-2: "Benign". The asparagine amino acid residue is found in multiple mammalian species, which suggests that this missense change does not adversely affect protein function. In summary, the available evidence is currently insufficient to determine the role of this variant in disease. Therefore, it has been classified as a Variant of Uncertain Significance.

NM_015259.6(ICOSLG):c.94G>A (p.Asp32Asn)

Gene: ICOSLG (inducible T cell costimulator ligand; minus strand). Cytogenetic location: 21q22.3.
Variant type: single nucleotide variant.
Coding change: c.94G>A on transcript NM_015259.6 (MANE Select); coding-DNA position 94, G replaced by A.
Protein change: p.Asp32Asn; replaces aspartic acid 32 with asparagine.
Molecular consequence: missense variant. On other transcripts: intron variant (2).
Genome position (GRCh38, 1-based): chr21:44,237,179, C>T on the plus strand (G>A on the coding strand, the complement: ICOSLG is on the minus strand). VCF-style: chr21-44237179-C-T. GRCh37 (hg19) VCF-style: chr21-45657062-C-T.
Other names: c.94G>A, p.Asp32Asn (NM_001283050.2, NM_001395918.1); c.13G>A, p.Asp5Asn (NM_001365759.2); c.55+1269G>A (NM_001283051.2); c.-48-114G>A (NM_001283052.2); short protein forms D32N, D5N.
Identifiers: ClinVar variation 1965749 (VCV001965749.5), dbSNP rs368372298, ClinGen allele CA321498444.
Genomic context (GRCh38, chr21:44,237,179, plus strand): 5'-CGTAAACATCATTTAAATCAAAACGGCTTCCTTCAGGGCAAGCGCAGCTGAGCTCCACGT[C>T]GCTGCCTACCATCGCTCTGACTTCCTTCTCCTGAGTATCTGCAATGGCCCAAAAGGTGCA-3'
Protein context (NP_056074.1, residues 22-42): EKEVRAMVGS[Asp32Asn]VELSCACPEG